The following is an entry in ClinVar:

ClinVar aggregate classification (germline): Benign (1 of 4 stars; one submission).

Allele frequency attached by ClinVar (database versions not stated): 1000 Genomes Project 30x 0.12883; TOPMed 0.13130; 1000 Genomes Project 0.13199; gnomAD 0.13246 and 0.13400.
gnomAD v4.1: 20,479 of 152,210 alleles (13%); highest among the groups gnomAD compares: Middle Eastern, 19%; 1,412 homozygotes.

Submission:

GeneDx
Classification: Benign. Last evaluated: 2018-06-18. Review status: criteria provided, single submitter. Criteria: GeneDx Variant Classification (06012015). Collection method: clinical testing. Allele origin: germline. Affected: yes.
Comment: This variant is considered likely benign or benign based on one or more of the following criteria: it is a conservative change, it occurs at a poorly conserved position in the protein, it is predicted to be benign by multiple in silico algorithms, and/or has population frequency not consistent with disease.

NM_000393.5(COL5A2):c.568-181A>C

Gene: COL5A2 (collagen type V alpha 2 chain; minus strand). Cytogenetic location: 2q32.2.
Variant type: single nucleotide variant.
Coding change: c.568-181A>C on transcript NM_000393.5 (MANE Select); 181 bases into the intron before coding-DNA position 568, A replaced by C.
Molecular consequence: intron variant.
Genome position (GRCh38, 1-based): chr2:189,088,953, T>G on the plus strand (A>C on the coding strand, the complement: COL5A2 is on the minus strand). VCF-style: chr2-189088953-T-G. GRCh37 (hg19) VCF-style: chr2-189953679-T-G.
Identifiers: ClinVar variation 673133 (VCV000673133.1), dbSNP rs60762885, ClinGen allele CA62569848.